The following is an entry in ClinVar:

NM_015231.3(NUP160):c.185C>T (p.Ser62Phe)

Gene: NUP160 (nucleoporin 160; minus strand). Cytogenetic location: 11p11.2.
Variant type: single nucleotide variant.
Coding change: c.185C>T on transcript NM_015231.3 (MANE Select); coding-DNA position 185, C replaced by T.
Protein change: p.Ser62Phe; replaces serine 62 with phenylalanine.
Molecular consequence: missense variant. On other transcripts: non-coding transcript variant (1).
Genome position (GRCh38, 1-based): chr11:47,847,875, G>A on the plus strand (C>T on the coding strand, the complement: NUP160 is on the minus strand). VCF-style: chr11-47847875-G-A. GRCh37 (hg19) VCF-style: chr11-47869427-G-A.
Other names: c.287C>T, p.Ser96Phe (NM_001318399.1); short protein forms S62F, S96F.
Identifiers: ClinVar variation 2122076 (VCV002122076.4), dbSNP rs2494846540, ClinGen allele CA380395927.

ClinVar aggregate classification (germline): Uncertain significance (1 of 4 stars; one submission).

Submission:

Labcorp Genetics (formerly Invitae), Labcorp
Classification: Uncertain significance. Last evaluated: 2022-05-31. Review status: criteria provided, single submitter. Criteria: Invitae Variant Classification Sherloc (09022015). Collection method: clinical testing. Allele origin: germline.
Comment: This sequence change replaces serine, which is neutral and polar, with phenylalanine, which is neutral and non-polar, at codon 96 of the NUP160 protein (p.Ser96Phe). This variant is not present in population databases (gnomAD no frequency). This variant has not been reported in the literature in individuals affected with NUP160-related conditions. Algorithms developed to predict the effect of missense changes on protein structure and function are either unavailable or do not agree on the potential impact of this missense change (SIFT: "Not Available"; PolyPhen-2: "Possibly Damaging"; Align-GVGD: "Not Available"). In summary, the available evidence is currently insufficient to determine the role of this variant in disease. Therefore, it has been classified as a Variant of Uncertain Significance.